The following is an entry in ClinVar:

NM_001211.6(BUB1B):c.485A>T (p.Tyr162Phe)

Gene: BUB1B (BUB1 mitotic checkpoint serine/threonine kinase B; plus strand). Cytogenetic location: 15q15.1.
Variant type: single nucleotide variant.
Coding change: c.485A>T on transcript NM_001211.6 (MANE Select); coding-DNA position 485, A replaced by T.
Protein change: p.Tyr162Phe; replaces tyrosine 162 with phenylalanine.
Molecular consequence: missense variant.
Genome position (GRCh38, 1-based): chr15:40,176,577, A>T. VCF-style: chr15-40176577-A-T. GRCh37 (hg19) VCF-style: chr15-40468778-A-T.
Other names: short protein forms Y162F.
Identifiers: ClinVar variation 2450836 (VCV002450836.2), dbSNP rs1555381180, ClinGen allele CA391681263.

ClinVar aggregate classification (germline): Uncertain significance (1 of 4 stars; one submission).

Conditions:
Inborn genetic diseases. Identifiers: MedGen C0950123, MeSH D030342.

Submission:

Ambry Genetics
Classification: Uncertain significance for Inborn genetic diseases. Last evaluated: 2023-02-12. Review status: criteria provided, single submitter. Criteria: Ambry Variant Classification Scheme 2023. Collection method: clinical testing. Allele origin: germline.
Comment: The p.Y162F variant (also known as c.485A>T), located in coding exon 5 of the BUB1B gene, results from an A to T substitution at nucleotide position 485. The tyrosine at codon 162 is replaced by phenylalanine, an amino acid with highly similar properties. This amino acid position is conserved. In addition, this alteration is predicted to be tolerated by in silico analysis. Since supporting evidence is limited at this time, the clinical significance of this alteration remains unclear.